The following is an entry in ClinVar:

ClinVar aggregate classification (germline): Uncertain significance (1 of 4 stars; one submission).

Allele frequency attached by ClinVar (database versions not stated): gnomAD exomes below 0.00001.
gnomAD v4.1: 1 of 1,608,504 alleles (0.000062%); highest among the groups gnomAD compares: South Asian, 0.0011%; no homozygotes.

Submission:

Labcorp Genetics (formerly Invitae), Labcorp
Classification: Uncertain significance. Last evaluated: 2022-09-23. Review status: criteria provided, single submitter. Criteria: Invitae Variant Classification Sherloc (09022015). Collection method: clinical testing. Allele origin: germline.
Comment: This sequence change replaces threonine, which is neutral and polar, with isoleucine, which is neutral and non-polar, at codon 531 of the RFWD3 protein (p.Thr531Ile). This variant is not present in population databases (gnomAD no frequency). This variant has not been reported in the literature in individuals affected with RFWD3-related conditions. Algorithms developed to predict the effect of missense changes on protein structure and function are either unavailable or do not agree on the potential impact of this missense change (SIFT: "Tolerated"; PolyPhen-2: "Possibly Damaging"; Align-GVGD: "Class C0"). In summary, the available evidence is currently insufficient to determine the role of this variant in disease. Therefore, it has been classified as a Variant of Uncertain Significance.

NM_018124.4(RFWD3):c.1592C>T (p.Thr531Ile)

Gene: RFWD3 (ring finger and WD repeat domain 3; minus strand). Cytogenetic location: 16q23.1.
Variant type: single nucleotide variant.
Coding change: c.1592C>T on transcript NM_018124.4 (MANE Select); coding-DNA position 1592, C replaced by T.
Protein change: p.Thr531Ile; replaces threonine 531 with isoleucine.
Molecular consequence: missense variant. On other transcripts: intron variant (1).
Genome position (GRCh38, 1-based): chr16:74,630,943, G>A on the plus strand (C>T on the coding strand, the complement: RFWD3 is on the minus strand). VCF-style: chr16-74630943-G-A. GRCh37 (hg19) VCF-style: chr16-74664841-G-A.
Other names: c.1592C>T, p.Thr531Ile (NM_001370534.1, NM_001370535.1); c.758C>T, p.Thr253Ile (NM_001370537.1, NM_001370539.1, NM_001370540.1 and 3 more transcripts); c.1577+1580C>T (NM_001370536.1); short protein forms T253I, T531I.
Identifiers: ClinVar variation 2032037 (VCV002032037.4), dbSNP rs2543950585, ClinGen allele CA396760453.
Genomic context (GRCh38, chr16:74,630,943, plus strand): 5'-TCATCAAGACACCAGCAACAGCTCCAGACAGGACGTCCAGCATTATAAGTCTGGACCACG[G>A]TATTTGTCTCCAGGCTGTGGAGTTACAAAAGACTTTTACAACTGCATTAAGAAAATCAAA-3'
Protein context (NP_060594.3, residues 521-541): TIKLTSLETN[Thr531Ile]VVQTYNAGRP